The following is an entry in ClinVar:

ClinVar aggregate classification (germline): Uncertain significance. Review status: criteria provided, single submitter (1 of 4 stars). 2 submissions from 2 submitters: Uncertain significance (1). 1 of the submissions does not count toward it. Last evaluated 2026-09-01.

Conditions:
APOE2 VARIANT.

Allele frequency attached by ClinVar (database versions not stated): gnomAD exomes 0.00003 and 0.00001; TOPMed 0.00003; gnomAD 0.00003.

Submissions (2):

CeGaT Center for Human Genetics Tuebingen
Classification: Uncertain significance. Last evaluated: 2026-09-01. Review status: criteria provided, single submitter. Criteria: CeGaT Center For Human Genetics Tuebingen Variant Classification Criteria Version 2. Collection method: clinical testing. Allele origin: germline. Affected: yes. Observed: 1 variant allele.
Comment: APOE: PM2

OMIM
Classification: Pathogenic for APOE2 VARIANT. Last evaluated: 1991-08-01. Review status: no assertion criteria provided. Collection method: literature only. Allele origin: germline. Not counted in ClinVar's aggregate classification.

Literature cited by the submitters: PubMed 1864973 (cited by OMIM).

NM_000041.4(APOE):c.455G>A (p.Arg152Gln)

Gene: APOE (apolipoprotein E; plus strand). Cytogenetic location: 19q13.32.
Variant type: single nucleotide variant.
Coding change: c.455G>A on transcript NM_000041.4 (MANE Select); coding-DNA position 455, G replaced by A.
Protein change: p.Arg152Gln; replaces arginine 152 with glutamine.
Molecular consequence: missense variant.
Genome position (GRCh38, 1-based): chr19:44,908,751, G>A. VCF-style: chr19-44908751-G-A. GRCh37 (hg19) VCF-style: chr19-45412008-G-A.
Other names: R134Q; c.533G>A, p.Arg178Gln (NM_001302688.2); c.455G>A, p.Arg152Gln (NM_001302689.2, NM_001302690.2, NM_001302691.2); short protein forms R152Q, R178Q.
Identifiers: ClinVar variation 17874 (VCV000017874.4), dbSNP rs28931578, ClinGen allele CA127517.